The following is an entry in ClinVar:

NM_000138.5(FBN1):c.1490del (p.Asn497fs)

Gene: FBN1 (fibrillin 1; minus strand). Cytogenetic location: 15q21.1.
Variant type: Deletion.
Coding change: c.1490del on transcript NM_000138.5 (MANE Select); coding-DNA position 1490, one base deleted (A; older notation c.1490delA).
Protein change: p.Asn497fs; shifts the reading frame from asparagine 497.
Molecular consequence: frameshift variant.
Genome position (GRCh38, 1-based): chr15:48,513,647, T deleted on the plus strand (A on the coding strand, the reverse complement: FBN1 is on the minus strand); the first of 5 consecutive T bases (chr15:48,513,647-48,513,651); deleting any one gives the same sequence. VCF-style (leftmost placement, unchanged base first): chr15-48513646-GT-G. GRCh37 (hg19) VCF-style: chr15-48805843-GT-G.
Other names: c.1490del, p.Asn497fs (NM_001406716.1); short protein forms N497fs.
Identifiers: ClinVar variation 2950535 (VCV002950535.3), dbSNP rs2505614061, ClinGen allele CA2740096675.

ClinVar aggregate classification (germline): Pathogenic (1 of 4 stars; one submission).

Conditions:
Marfan syndrome (MFS). Also called: MARFAN SYNDROME, TYPE I; Marfan syndrome type 1; Marfan's syndrome; Marfan syndrome, classic; FBN1-Related Marfan Syndrome. Identifiers: Orphanet 284963, Orphanet 558, MedGen C0024796, MONDO:0007947, OMIM 154700.
Familial thoracic aortic aneurysm and aortic dissection (TAAD). Also called: Thoracic aortic aneurysms and dissections. Identifiers: Orphanet 91387, MedGen C4707243, MONDO:0019625.

Submission:

Labcorp Genetics (formerly Invitae), Labcorp
Classification: Pathogenic for Marfan syndrome; Familial thoracic aortic aneurysm and aortic dissection. Last evaluated: 2023-08-01. Review status: criteria provided, single submitter. Criteria: Invitae Variant Classification Sherloc (09022015). Collection method: clinical testing. Allele origin: germline.
Comment: For these reasons, this variant has been classified as Pathogenic. This variant has not been reported in the literature in individuals affected with FBN1-related conditions. This variant is not present in population databases (gnomAD no frequency). This sequence change creates a premature translational stop signal (p.Asn497Thrfs*82) in the FBN1 gene. It is expected to result in an absent or disrupted protein product. Loss-of-function variants in FBN1 are known to be pathogenic (PMID: 17657824, 19293843).

Literature cited by the submitters: PubMed 17657824; PubMed 19293843.